The following is an entry in ClinVar:

ClinVar aggregate classification (germline): Uncertain significance (1 of 4 stars; one submission).

Conditions:
Optic atrophy 3 (OPA3). Also called: OPTIC ATROPHY 3, AUTOSOMAL DOMINANT; Optic atrophy, cataract, and neurologic disorder; Optic atrophy 3 with cataract. Identifiers: Orphanet 67036, MedGen C1833809, MONDO:0008133, OMIM 165300.
3-Methylglutaconic aciduria type 3 (MGCA3). Also called: OPA3, AUTOSOMAL RECESSIVE; OPTIC ATROPHY 3, AUTOSOMAL RECESSIVE; OPA3-Related 3-Methylglutaconic Aciduria; Costeff Syndrome. Identifiers: Orphanet 67047, MedGen C0574084, MONDO:0009787, OMIM 258501.

gnomAD v4.1: 1 of 1,611,608 alleles (0.000062%); no homozygotes.

Submission:

Labcorp Genetics (formerly Invitae), Labcorp
Classification: Uncertain significance for 3-Methylglutaconic aciduria type 3; Optic atrophy 3. Last evaluated: 2024-11-07. Review status: criteria provided, single submitter. Criteria: Invitae Variant Classification Sherloc (09022015). Collection method: clinical testing. Allele origin: germline.
Comment: This sequence change replaces glycine, which is neutral and non-polar, with valine, which is neutral and non-polar, at codon 65 of the OPA3 protein (p.Gly65Val). The frequency data for this variant in the population databases is considered unreliable, as metrics indicate poor data quality at this position in the gnomAD database. This variant has not been reported in the literature in individuals affected with OPA3-related conditions. An algorithm developed to predict the effect of missense changes on protein structure and function (PolyPhen-2) suggests that this variant is likely to be tolerated. In summary, the available evidence is currently insufficient to determine the role of this variant in disease. Therefore, it has been classified as a Variant of Uncertain Significance.

NM_025136.4(OPA3):c.194G>T (p.Gly65Val)

Genes: OPA3-RTN2 (OPA3-RTN2 readthrough; minus strand), OPA3 (outer mitochondrial membrane lipid metabolism regulator OPA3; minus strand). Cytogenetic location: 19q13.32.
Variant type: single nucleotide variant.
Coding change: c.194G>T on transcript NM_025136.4 (MANE Select); coding-DNA position 194, G replaced by T.
Protein change: p.Gly65Val; replaces glycine 65 with valine.
Molecular consequence: missense variant. On other transcripts: intron variant (1).
Genome position (GRCh38, 1-based): chr19:45,553,860, C>A on the plus strand (G>T on the coding strand, the complement: OPA3 is on the minus strand). VCF-style: chr19-45553860-C-A. GRCh37 (hg19) VCF-style: chr19-46057118-C-A.
Other names: c.143-24404G>T (NM_001017989.3); short protein forms G65V.
Identifiers: ClinVar variation 3751287 (VCV003751287.2).